The following is an entry in ClinVar:

NM_001330288.2(SMARCC2):c.13A>C (p.Lys5Gln)

Gene: SMARCC2 (SWI/SNF related BAF chromatin remodeling complex subunit C2; minus strand). Cytogenetic location: 12q13.2.
Variant type: single nucleotide variant.
Coding change: c.13A>C on transcript NM_001330288.2 (MANE Select); coding-DNA position 13, A replaced by C.
Protein change: p.Lys5Gln; replaces lysine 5 with glutamine.
Molecular consequence: missense variant.
Genome position (GRCh38, 1-based): chr12:56,189,449, T>G on the plus strand (A>C on the coding strand, the complement: SMARCC2 is on the minus strand). VCF-style: chr12-56189449-T-G. GRCh37 (hg19) VCF-style: chr12-56583233-T-G.
Other names: c.13A>C, p.Lys5Gln (NM_001130420.3, NM_003075.5, NM_139067.4); short protein forms K5Q.
Identifiers: ClinVar variation 2497790 (VCV002497790.1), dbSNP rs2540984610, ClinGen allele CA385269064.

ClinVar aggregate classification (germline): Uncertain significance (1 of 4 stars; one submission).

Submission:

GeneDx
Classification: Uncertain significance. Last evaluated: 2022-10-04. Review status: criteria provided, single submitter. Criteria: GeneDx Variant Classification Process June 2021. Collection method: clinical testing. Allele origin: germline. Affected: yes.
Comment: Not observed at significant frequency in large population cohorts (gnomAD); In silico analysis supports that this missense variant has a deleterious effect on protein structure/function; Has not been previously published as pathogenic or benign to our knowledge